The following is an entry in ClinVar:

NM_000077.5(CDKN2A):c.389T>A (p.Leu130Gln)

Gene: CDKN2A (cyclin dependent kinase inhibitor 2A; minus strand). Cytogenetic location: 9p21.3.
Variant type: single nucleotide variant.
Coding change: c.389T>A on transcript NM_000077.5; coding-DNA position 389, T replaced by A.
Protein change: p.Leu130Gln; replaces leucine 130 with glutamine.
Molecular consequence: missense variant (on NM_000077.6). On other transcripts: 3 prime UTR variant (2).
Genome position (GRCh38, 1-based): chr9:21,970,970, A>T on the plus strand (T>A on the coding strand, the complement: CDKN2A is on the minus strand). VCF-style: chr9-21970970-A-T. GRCh37 (hg19) VCF-style: chr9-21970969-A-T.
Other names: c.389T>A, p.Leu130Gln (NM_000077.6, NM_001195132.2); c.236T>A, p.Leu79Gln (NM_001363763.2); c.*33T>A (NM_058195.4); c.*312T>A (NM_058197.5); short protein forms L130Q, L79Q.
Identifiers: ClinVar variation 2744302 (VCV002744302.3), dbSNP rs2131092580, ClinGen allele CA373085932.

ClinVar aggregate classification (germline): Uncertain significance (1 of 4 stars; one submission).

Conditions:
Familial melanoma. Also called: Hereditary melanoma; Hereditary cutaneous melanoma. Identifiers: Orphanet 618, MedGen C1512419, MONDO:0018961.

Submission:

Labcorp Genetics (formerly Invitae), Labcorp
Classification: Uncertain significance for Familial melanoma. Last evaluated: 2023-07-17. Review status: criteria provided, single submitter. Criteria: Invitae Variant Classification Sherloc (09022015). Collection method: clinical testing. Allele origin: germline.
Comment: In summary, the available evidence is currently insufficient to determine the role of this variant in disease. Therefore, it has been classified as a Variant of Uncertain Significance. An algorithm developed to predict the effect of missense changes on protein structure and function (PolyPhen-2) suggests that this variant is likely to be disruptive. This variant has not been reported in the literature in individuals affected with CDKN2A (p16INK4a)-related conditions. This variant is not present in population databases (gnomAD no frequency). This sequence change replaces leucine, which is neutral and non-polar, with glutamine, which is neutral and polar, at codon 130 of the CDKN2A (p16INK4a) protein (p.Leu130Gln).